The following is an entry in ClinVar:

Conditions:
Long QT syndrome 5 (LQT5). Identifiers: Orphanet 101016, Orphanet 768, MedGen C1867904, MONDO:0013372, OMIM 613695.

Submission:

Roden Lab, Vanderbilt University Medical Center
No classification provided (evidence only). Condition: Long QT syndrome 5. Review status: no classification provided. Collection method: in vitro. Allele origin: not applicable. Functional consequence: Effect on ion channel function.
ClinVar note: "not provided" was previously submitted as the classification for the variant. However, the classification appeared to be based only on an observation of functional data so it was converted to no classification on 2025-07-30.

NM_000219.6(KCNE1):c.7C>A (p.Leu3Met)

Gene: KCNE1 (potassium voltage-gated channel subfamily E regulatory subunit 1; minus strand). Cytogenetic location: 21q22.12.
Variant type: single nucleotide variant.
Coding change: c.7C>A on transcript NM_000219.6 (MANE Select); coding-DNA position 7, C replaced by A.
Protein change: p.Leu3Met; replaces leucine 3 with methionine.
Molecular consequence: missense variant.
Genome position (GRCh38, 1-based): chr21:34,449,628, G>T on the plus strand (C>A on the coding strand, the complement: KCNE1 is on the minus strand). VCF-style: chr21-34449628-G-T. GRCh37 (hg19) VCF-style: chr21-35821926-G-T.
Other names: c.7C>A, p.Leu3Met (NM_001127668.4, NM_001127669.4, NM_001127670.4 and 4 more transcripts); short protein forms L3M.
Identifiers: ClinVar variation 3373952 (VCV003373952.2).
Genomic context (GRCh38, chr21:34,449,628, plus strand): 5'-GCTGAACTGTCTCCTGCCACAGCTTGGTCAGAAAGGGCGTCACCGCTGTGGTGTTAGACA[G>T]GATCATCCTGGGCATTAAGGTTCCACTGCTGCAGCTCAAACTTCCCAGGCACACCTCTTA-3'
Protein context (NP_000210.2, residues 1-13): MI[Leu3Met]SNTTAVTPFL